The following is an entry in ClinVar:

ClinVar aggregate classification (germline): Uncertain significance. Review status: criteria provided, multiple submitters, no conflicts (2 of 4 stars). 2 submissions from 2 submitters: Uncertain significance (2). Last evaluated 2025-04-02.

Conditions:
Angelman syndrome (AS). Also called: HAPPY PUPPET SYNDROME. Identifiers: Orphanet 72, MedGen C0162635, MONDO:0007113, OMIM 105830. Disease mechanism: loss of function. Inheritance: AS is caused by disruption of maternally imprinted UBE3A located within the 15q11.2-q13 Angelman syndrome/Prader-Willi syndrome (AS/PWS) region., imprinting disorder.

gnomAD v4.1: 2 of 1,613,154 alleles (0.00012%); highest among the groups gnomAD compares: Non-Finnish European, 0.00017%; no homozygotes.

Submissions (2):

Labcorp Genetics (formerly Invitae), Labcorp
Classification: Uncertain significance for Angelman syndrome. Last evaluated: 2025-04-02. Review status: criteria provided, single submitter. Criteria: Invitae Variant Classification Sherloc (09022015). Collection method: clinical testing. Allele origin: germline.
Comment: This sequence change replaces arginine, which is basic and polar, with proline, which is neutral and non-polar, at codon 626 of the UBE3A protein (p.Arg626Pro). This variant is not present in population databases (gnomAD no frequency). This variant has not been reported in the literature in individuals affected with UBE3A-related conditions. ClinVar contains an entry for this variant (Variation ID: 437193). Invitae Evidence Modeling of protein sequence and biophysical properties (such as structural, functional, and spatial information, amino acid conservation, physicochemical variation, residue mobility, and thermodynamic stability) indicates that this missense variant is not expected to disrupt UBE3A protein function with a negative predictive value of 80%. Experimental studies have shown that this missense change does not substantially affect UBE3A function (PMID: 33607653). In summary, the available evidence is currently insufficient to determine the role of this variant in disease. Therefore, it has been classified as a Variant of Uncertain Significance.

Genetic Services Laboratory, University of Chicago
Classification: Uncertain significance. Last evaluated: 2015-10-16. Review status: criteria provided, single submitter. Criteria: ACMG Guidelines, 2015. Collection method: clinical testing. Allele origin: germline. Affected: no.

Literature cited by the submitters: PubMed 33607653 (cited by Labcorp Genetics (formerly Invitae), Labcorp).

NM_130839.5(UBE3A):c.1937G>C (p.Arg646Pro)

Genes: SNHG14 (small nucleolar RNA host gene 14; plus strand), UBE3A (ubiquitin protein ligase E3A; minus strand). Cytogenetic location: 15q11.2.
Variant type: single nucleotide variant.
Coding change: c.1937G>C on transcript NM_130839.5 (MANE Select); coding-DNA position 1937, G replaced by C.
Protein change: p.Arg646Pro; replaces arginine 646 with proline.
Molecular consequence: missense variant. On other transcripts: non-coding transcript variant (1).
Genome position (GRCh38, 1-based): chr15:25,356,713, C>G on the plus strand (G>C on the coding strand, the complement: UBE3A is on the minus strand). VCF-style: chr15-25356713-C-G. GRCh37 (hg19) VCF-style: chr15-25601860-C-G.
Other names: c.1946G>C, p.Arg649Pro (NM_000462.5); c.1937G>C, p.Arg646Pro (NM_001354505.1, NM_001354538.2, NM_001354545.2); c.1877G>C, p.Arg626Pro (NM_001354506.2, NM_001354507.2, NM_001354508.2 and 17 more transcripts); c.1760G>C, p.Arg587Pro (NM_001354546.2); c.686G>C, p.Arg229Pro (NM_001354550.2); c.626G>C, p.Arg209Pro (NM_001354551.2); short protein forms R626P, R229P, R587P, R649P, R209P, R646P.
Identifiers: ClinVar variation 437193 (VCV000437193.9), dbSNP rs374601913, ClinGen allele CA391352422.